The following is an entry in ClinVar:

NM_000059.4(BRCA2):c.5795_5799del (p.His1932fs)

Gene: BRCA2 (BRCA2 DNA repair associated; plus strand). Cytogenetic location: 13q13.1.
Variant type: Deletion.
Coding change: c.5795_5799del on transcript NM_000059.4 (MANE Select); coding-DNA positions 5795 to 5799, 5 bases deleted (ATAAC; older notation c.5795_5799delATAAC).
Protein change: p.His1932fs; shifts the reading frame from histidine 1932.
Molecular consequence: frameshift variant.
Genome position (GRCh38, 1-based): chr13:32,340,150-32,340,154, ATAAC deleted; deleting any 5 consecutive bases within chr13:32,340,147-32,340,154 gives the same sequence; the c. name uses the placement nearest the transcript's 3' end. VCF-style (leftmost placement, unchanged base first): chr13-32340146-CAACAT-C. GRCh37 (hg19) VCF-style: chr13-32914283-CAACAT-C.
Other names: c.5795_5799delATAAC (NM_000059.3); short protein forms H1932fs.
Identifiers: ClinVar variation 462392 (VCV000462392.11), dbSNP rs1555284397, ClinGen allele CA658656402.

ClinVar aggregate classification (germline): Pathogenic (1 of 4 stars; one submission).

Conditions:
Hereditary breast ovarian cancer syndrome. Also called: Hereditary breast and ovarian cancer syndrome (HBOC); Hereditary breast and ovarian cancer syndrome; Breast and ovarian cancer; Hereditary breast and/or ovarian cancer syndrome; Hereditary breast and ovarian cancer; BRCA1- and BRCA2-Associated Hereditary Breast and Ovarian Cancer. Identifiers: Orphanet 145, MedGen C0677776, MeSH D061325, MONDO:0003582. Disease mechanism: loss of function.

Submission:

Labcorp Genetics (formerly Invitae), Labcorp
Classification: Pathogenic for Hereditary breast ovarian cancer syndrome. Last evaluated: 2020-08-14. Review status: criteria provided, single submitter. Criteria: Invitae Variant Classification Sherloc (09022015). Collection method: clinical testing. Allele origin: germline.
Comment: For these reasons, this variant has been classified as Pathogenic. Loss-of-function variants in BRCA2 are known to be pathogenic (PMID: 20104584). This variant has been observed in individual(s) with breast cancer (PMID: 28294317). ClinVar contains an entry for this variant (Variation ID: 462392). This variant is not present in population databases (ExAC no frequency). This sequence change creates a premature translational stop signal (p.His1932Profs*11) in the BRCA2 gene. It is expected to result in an absent or disrupted protein product.

Literature cited by the submitters: PubMed 20104584; PubMed 28294317.